The following is an entry in ClinVar:

NM_004004.6(GJB2):c.487A>G (p.Met163Val)

Gene: GJB2 (gap junction protein beta 2; minus strand). Cytogenetic location: 13q12.11.
Variant type: single nucleotide variant.
Coding change: c.487A>G on transcript NM_004004.6 (MANE Select); coding-DNA position 487, A replaced by G.
Protein change: p.Met163Val; replaces methionine 163 with valine.
Molecular consequence: missense variant.
Genome position (GRCh38, 1-based): chr13:20,189,095, T>C on the plus strand (A>G on the coding strand, the complement: GJB2 is on the minus strand). VCF-style: chr13-20189095-T-C. GRCh37 (hg19) VCF-style: chr13-20763234-T-C.
Other names: short protein forms M163V.
Identifiers: ClinVar variation 21388 (VCV000021388.71), dbSNP rs80338949, ClinGen allele CA134981.
Genomic context (GRCh38, chr13:20,189,095, plus strand): 5'-ACACAAAGCAGTCCACAGTGTTGGGACAAGGCCAGGCGTTGCACTTCACCAGCCGCTGCA[T>C]GGAGAAGCCGTCGTACATGACATAGAAGACGTACATGAAGGCGGCTTCGAAGATGACCCG-3'
Protein context (NP_003995.2, residues 153-173): VFYVMYDGFS[Met163Val]QRLVKCNAWP

ClinVar aggregate classification (germline): Conflicting classifications of pathogenicity. Review status: criteria provided, conflicting classifications (1 of 4 stars). 19 submissions from 18 submitters: Pathogenic (1); Likely pathogenic (4); Uncertain significance (13). 1 of the submissions does not count toward it. Last evaluated 2026-07-17.

Conditions:
Autosomal recessive nonsyndromic hearing loss 1A (DFNB1A). Also called: Deafness, autosomal recessive 1A; GJB2-Related Autosomal Recessive Nonsyndromic Hearing Loss; Connexin 26 deafness; Deafness nonsyndromic, Connexin 26 linked; Nonsyndromic Hearing Loss and Deafness, DFNB1; GJB6-Related DFNB 1 Nonsyndromic Hearing Loss and Deafness. Identifiers: Orphanet 90636, MedGen C2673759, MONDO:0009076, OMIM 220290.
Palmoplantar keratoderma-deafness syndrome. Also called: Keratoderma palmoplantar, with deafness; Palmoplantar keratoderma and sensorineural deafness; Hereditary palmoplantar keratoderma with deafness (subtype); Focal palmoplantar keratoderma with sensorineural deafness (subtype); Diffuse palmoplantar keratoderma with deafness (subtype). Identifiers: Orphanet 2202, MedGen C1835672, MONDO:0007852, OMIM 148350.
Knuckle pads, deafness AND leukonychia syndrome. Also called: Bart-Pumphrey syndrome. Identifiers: Orphanet 2698, MedGen C0266004, MONDO:0007866, OMIM 149200.
Autosomal dominant keratitis-ichthyosis-hearing loss syndrome. Also called: HID SYNDROME; KID SYNDROME, AUTOSOMAL DOMINANT; Senter syndrome. Identifiers: Orphanet 477, MedGen C0265336, MONDO:0007850, OMIM 148210.
X-linked mixed hearing loss with perilymphatic gusher. Also called: NANCE DEAFNESS; Gusher syndrome; PERILYMPHATIC GUSHER-DEAFNESS SYNDROME; SENSORINEURAL DEAFNESS, PROFOUND, WITH OR WITHOUT A CONDUCTIVE COMPONENT, ASSOCIATED WITH A UNIQUE DEVELOPMENTAL ABNORMALITY OF THE EAR; Deafness, X-linked 2. Identifiers: Orphanet 383, MedGen C1844678, MONDO:0010576, OMIM 304400.
Autosomal dominant nonsyndromic hearing loss 3A. Identifiers: Orphanet 90635, MedGen C2675750, MONDO:0011103, OMIM 601544.
Ichthyosis, hystrix-like, with hearing loss. Also called: Hystrix-like ichthyosis with deafness. Identifiers: Orphanet 477, MedGen C1865234, MONDO:0011245.
Mutilating keratoderma (VOWNKL). Also called: Keratoderma hereditarium mutilans. Identifiers: Orphanet 494, MedGen C0265964, MONDO:0007422, OMIM 124500.
Nonsyndromic genetic hearing loss. Also called: Nonsyndromic hearing loss and deafness; Non-syndromic genetic deafness; Nonsyndromic genetic deafness. Identifiers: Orphanet 87884, MedGen C5680182, MONDO:0019497.
Hearing impairment. Also called: Impaired Hearing. Identifiers: MedGen C1384666, MONDO:0005365, HP:0000365.

Allele frequency attached by ClinVar (database versions not stated): gnomAD 0.00007 and 0.00009; gnomAD exomes 0.00008 and 0.00014; TOPMed 0.00016; 1000 Genomes Project 30x 0.00047; 1000 Genomes Project 0.00040; ExAC 0.00017.

Submissions 1 to 10 of 19:

Myriad Genetics, Inc.
Classification: Uncertain significance for Nonsyndromic genetic hearing loss. Last evaluated: 2026-07-17. Review status: criteria provided, single submitter. Criteria: Myriad Autosomal Dominant, Autosomal Recessive and X-Linked Classification Criteria (2023). Collection method: clinical testing. Allele origin: unknown.
Comment: NM_004004.5(GJB2):c.487A>G(M163V) is a missense variant classified as a variant of uncertain significance in the context of nonsyndromic hearing loss, GJB2-related. M163V has been observed in cases with relevant disease (PMID: 11493200, 12189487, 17041943, 19929407, 20086306, 21388256, 22208444, 22363784, 23504403, 24529908, 25555641, 26096904, 26409293, 26889084, 30989077, 31620696, 33096615, 34753855, 36672810, 37561809, 38486023). Relevant functional assessments of this variant are available in the literature (PMID: 12505163, 28428247). M163V has been observed in referenced population frequency databases. In summary, there is insufficient evidence to classify NM_004004.5(GJB2):c.487A>G(M163V) as pathogenic or benign. Please note: this variant was assessed in the context of healthy population screening.

GeneDx
Classification: Uncertain significance. Last evaluated: 2025-09-05. Review status: criteria provided, single submitter. Criteria: GeneDx Variant Classification Process June 2021. Collection method: clinical testing. Allele origin: germline. Affected: yes.
Comment: Observed in the heterozygous state with no other GJB2 variant in multiple individuals with hearing loss in published literature (PMID: 11493200, 19929407, 12189487, 20086306); Observed in unaffected parents of children with hearing loss who were heterozygous for the variant in published literature (PMID: 28263784, 19715472); In silico analysis suggests that this missense variant does not alter protein structure/function; This variant is associated with the following publications: (PMID: 25388846, 19941053, 20086291, 24529908, 22208444, 24158611, 12189487, 21996152, 14643477, 21388256, 22695344, 19929407, 15964725, 30989077, 19715472, 20086306, 16380907, 17041943, 12872268, 31620696, 34426522, 36048236, 34335733, Chaleshtori2005[article], 33096615, 31569309, 21281533, 31412945, 37892203, 37106706, 36833326, 38378725, 37561809, 28263784, 26096904, 12505163, 11493200, 28428247)

Revvity Omics, Revvity
Classification: Uncertain significance. Last evaluated: 2025-05-13. Review status: criteria provided, single submitter. Criteria: ACMG Guidelines, 2015. Collection method: clinical testing. Allele origin: germline.

First Genomix Gene Laboratory, Genetic Diagnostics Department
Classification: Likely pathogenic for Autosomal recessive nonsyndromic hearing loss 1A. Last evaluated: 2025-04-30. Review status: criteria provided, single submitter. Criteria: ACMG Guidelines, 2015. Collection method: clinical testing. Allele origin: germline. Inheritance: Autosomal recessive inheritance. Affected: no. Observed: 1 variant allele.

Blueprint Genetics
Classification: Uncertain significance. Last evaluated: 2024-11-18. Review status: criteria provided, single submitter. Criteria: ACMG Guidelines, 2015. Collection method: clinical testing. Allele origin: germline.

CeGaT Center for Human Genetics Tuebingen
Classification: Uncertain significance. Last evaluated: 2024-10-01. Review status: criteria provided, single submitter. Criteria: CeGaT Center For Human Genetics Tuebingen Variant Classification Criteria Version 2. Collection method: clinical testing. Allele origin: germline. Affected: yes. Observed: 3 variant alleles.
Comment: GJB2: PS4:Supporting

Fulgent Genetics
Classification: Uncertain significance for Mutilating keratoderma; Autosomal dominant keratitis-ichthyosis-hearing loss syndrome; Palmoplantar keratoderma-deafness syndrome; Knuckle pads, deafness AND leukonychia syndrome; Autosomal recessive nonsyndromic hearing loss 1A; Autosomal dominant nonsyndromic hearing loss 3A. Last evaluated: 2024-06-04. Review status: criteria provided, single submitter. Criteria: ACMG Guidelines, 2015. Collection method: clinical testing. Allele origin: germline.

Laboratory of Prof. Karen Avraham, Tel Aviv University
Classification: Pathogenic for Autosomal dominant nonsyndromic hearing loss 3A. Last evaluated: 2024-05-08. Review status: criteria provided, single submitter. Criteria: ACMG Guidelines, 2015. Collection method: research. Allele origin: germline. Affected: yes. Observed: 1 variant allele.
Comment: Pathogenic by Deafness Variation Database and autosomal dominant according to PMID: 37892203

DFNA3A; sloping normal-mild HL

Department of Pathology and Laboratory Medicine, Sinai Health System
Classification: Uncertain significance for Mutilating keratoderma; Autosomal dominant keratitis-ichthyosis-hearing loss syndrome; Palmoplantar keratoderma-deafness syndrome; Knuckle pads, deafness AND leukonychia syndrome; Autosomal recessive nonsyndromic hearing loss 1A; X-linked mixed hearing loss with perilymphatic gusher; Autosomal dominant nonsyndromic hearing loss 3A. Last evaluated: 2023-07-11. Review status: criteria provided, single submitter. Criteria: ACMG Guidelines, 2015. Collection method: research. Allele origin: germline.

Neuberg Centre For Genomic Medicine, NCGM
Classification: Likely pathogenic for Autosomal recessive nonsyndromic hearing loss 1A. Last evaluated: 2023-03-01. Review status: criteria provided, single submitter. Criteria: ACMG Guidelines, 2015. Collection method: clinical testing. Allele origin: germline. Inheritance: Autosomal recessive inheritance. Affected: yes.
Comment: The missense c.487A>G(p.Met163Val) variant in GJB2 gene has been reported previously in heterozygous state in multiple individuals affected with GJB2-related hearing loss (Smith et. al., 2016; Günther et. al., 2003). This variant has been observed to segregate with disease in related individuals (Falah et. al., 2012). Functional studies demonstrate a damaging effect on gap junction function, impacting GJB2 function (Press ER, et. al., 2017; Bruzzone R, et. al.,2003). The p.Met163Val variant has been reported with allele frequency of 0.01% in gnomAD Exomes and is novel (not in any individuals) in 1000 Genomes. This variant has been reported to the ClinVar database as Uncertain Significance / Likely Pathogenic. The amino acid change p.Met163Val in GJB2 is predicted as conserved by GERP++ and PhyloP across 100 vertebrates. The amino acid Met at position 163 is changed to a Val changing protein sequence and it might alter its composition and physico-chemical properties. For these reasons, this variant has been classified as Pathogenic.